The following is an entry in ClinVar:

ClinVar aggregate classification (germline): Likely benign (1 of 4 stars; one submission).

Conditions:
NPC1-related disorder. Also called: NPC1-related condition.

gnomAD v4.1: 5 of 1,612,600 alleles (0.00031%); highest among the groups gnomAD compares: South Asian, 0.0011%; no homozygotes.

Submission:

PreventionGenetics, part of Exact Sciences
Classification: Likely benign for NPC1-related condition. Last evaluated: 2025-11-26. Review status: criteria provided, single submitter. Criteria: ACMG Guidelines, 2015. Collection method: clinical testing. Allele origin: germline.
Comment: This variant is classified as likely benign based on ACMG/AMP sequence variant interpretation guidelines (Richards et al. 2015 PMID: 25741868, with internal and published modifications).

NM_000271.5(NPC1):c.3042-5C>T

Gene: NPC1 (NPC intracellular cholesterol transporter 1; minus strand). Cytogenetic location: 18q11.2.
Variant type: single nucleotide variant.
Coding change: c.3042-5C>T on transcript NM_000271.5 (MANE Select); 5 bases into the intron before coding-DNA position 3042, C replaced by T.
Molecular consequence: intron variant.
Genome position (GRCh38, 1-based): chr18:23,536,881, G>A on the plus strand (C>T on the coding strand, the complement: NPC1 is on the minus strand). VCF-style: chr18-23536881-G-A. GRCh37 (hg19) VCF-style: chr18-21116845-G-A.
Identifiers: ClinVar variation 4995058 (VCV004995058.1).